The following is an entry in ClinVar:

NM_001374736.1(DST):c.14375A>C (p.Glu4792Ala)

Gene: DST (dystonin; minus strand). Cytogenetic location: 6p12.1.
Variant type: single nucleotide variant.
Coding change: c.14375A>C on transcript NM_001374736.1 (MANE Select); coding-DNA position 14375, A replaced by C.
Protein change: p.Glu4792Ala; replaces glutamic acid 4792 with alanine.
Molecular consequence: missense variant.
Genome position (GRCh38, 1-based): chr6:56,560,359, T>G on the plus strand (A>C on the coding strand, the complement: DST is on the minus strand). VCF-style: chr6-56560359-T-G. GRCh37 (hg19) VCF-style: chr6-56425157-T-G.
Other names: c.8018A>C, p.Glu2673Ala (NM_001144769.5); c.7604A>C, p.Glu2535Ala (NM_001144770.2); c.14375A>C, p.Glu4792Ala (NM_001374722.1); c.13742A>C, p.Glu4581Ala (NM_001374729.1); c.7484A>C, p.Glu2495Ala (NM_001374730.1, NM_001386100.1, NM_183380.4); c.14402A>C, p.Glu4801Ala (NM_001374734.1); c.6506A>C, p.Glu2169Ala (NM_015548.5); short protein forms E2169A, E2495A, E2535A, E2673A, E4581A, E4792A, E4801A.
Identifiers: ClinVar variation 1492176 (VCV001492176.4), dbSNP rs760045175, ClinGen allele CA3868038.

ClinVar aggregate classification (germline): Uncertain significance (1 of 4 stars; one submission).

Conditions:
Epidermolysis bullosa simplex 3, localized or generalized intermediate, with BP230 deficiency (EBS3). Also called: Epidermolysis bullosa simplex, autosomal recessive 2; Epidermolysis bullosa simplex due to BP230 deficiency. Identifiers: Orphanet 412181, MedGen C3809470, MONDO:0014180, OMIM 615425.
Hereditary sensory and autonomic neuropathy type 6. Also called: Neuropathy, hereditary sensory and autonomic, type VI; HSAN VI. Identifiers: Orphanet 314381, MedGen C3539003, MONDO:0013839, OMIM 614653.

Allele frequency attached by ClinVar (database versions not stated): gnomAD exomes below 0.00001; TOPMed below 0.00001; ExAC 0.00001.

Submission:

Labcorp Genetics (formerly Invitae), Labcorp
Classification: Uncertain significance for Epidermolysis bullosa simplex 3, localized or generalized intermediate, with BP230 deficiency; Hereditary sensory and autonomic neuropathy type 6. Last evaluated: 2021-02-02. Review status: criteria provided, single submitter. Criteria: Invitae Variant Classification Sherloc (09022015). Collection method: clinical testing. Allele origin: germline.
Comment: In summary, the available evidence is currently insufficient to determine the role of this variant in disease. Therefore, it has been classified as a Variant of Uncertain Significance. Experimental studies and prediction algorithms are not available or were not evaluated, and the functional significance of this variant is currently unknown. This variant has not been reported in the literature in individuals with DST-related conditions. This variant is present in population databases (rs760045175, ExAC 0.01%). This sequence change replaces glutamic acid with alanine at codon 2169 of the DST protein (p.Glu2169Ala). The DST gene has multiple clinically relevant transcripts. This variant occurs in alternate transcript NM_015548.4, and corresponds to NM_001723.5:c.*55158A>C in the primary transcript.